The following is an entry in ClinVar:

NM_144997.7(FLCN):c.260C>A (p.Ser87Ter)

Gene: FLCN (folliculin; minus strand). Cytogenetic location: 17p11.2.
Variant type: single nucleotide variant.
Coding change: c.260C>A on transcript NM_144997.7 (MANE Select); coding-DNA position 260, C replaced by A.
Protein change: p.Ser87Ter; replaces serine 87 with a stop codon.
Molecular consequence: nonsense.
Genome position (GRCh38, 1-based): chr17:17,226,312, G>T on the plus strand (C>A on the coding strand, the complement: FLCN is on the minus strand). VCF-style: chr17-17226312-G-T. GRCh37 (hg19) VCF-style: chr17-17129626-G-T.
Other names: c.260C>A, p.Ser87Ter (NM_001353229.2, NM_001353230.2, NM_001353231.2 and 1 more transcripts); c.260C>A (NM_144997.6); short protein forms S87*.
Identifiers: ClinVar variation 1793769 (VCV001793769.3), dbSNP rs2544284170, ClinGen allele CA398534978.
Genomic context (GRCh38, chr17:17,226,312, plus strand): 5'-ACGTATTTAATGGAGGTCTCTTTATCATGGCTGATATATCCCGGGTGCCCTGCAGCAAGT[G>T]ACCGGCAGCCCTGTCCATGAAAAGGAAAAGTAAATCTGTTAGTTGGGAAGCAGGGCGACA-3'

ClinVar aggregate classification (germline): Pathogenic. Review status: criteria provided, multiple submitters, no conflicts (2 of 4 stars). 2 submissions from 2 submitters: Pathogenic (2). Last evaluated 2025-02-25.

Conditions:
Hereditary cancer-predisposing syndrome. Also called: Tumor predisposition; Hereditary Cancer Syndrome; Neoplastic Syndromes, Hereditary; Hereditary neoplastic syndrome. Identifiers: Orphanet 140162, MedGen C0027672, MeSH D009386, MONDO:0015356.

Submissions (2):

Quest Diagnostics Nichols Institute San Juan Capistrano
Classification: Pathogenic. Last evaluated: 2025-02-25. Review status: criteria provided, single submitter. Criteria: Quest Diagnostics criteria. Collection method: clinical testing. Allele origin: unknown.
Comment: The FLCN c.260C>A (p.Ser87*) variant causes the premature termination of FLCN protein synthesis. This variant has not been reported in individuals with FLCN-related conditions in the published literature. This variant has not been reported in large, multi-ethnic general populations (Genome Aggregation Database). A different FLCN variant that produces the same protein change, FLCN c.260C>G (p.Ser87*), has been identified in an individual with Birt-Hogg-Dube (BHD) syndrome (PMID: 27220747 (2016)). Based on the available information, the FLCN c.260C>A (p.Ser87*) variant is classified as pathogenic.

Ambry Genetics
Classification: Pathogenic for Hereditary cancer-predisposing syndrome. Last evaluated: 2020-09-14. Review status: criteria provided, single submitter. Criteria: Ambry Variant Classification Scheme 2023. Collection method: clinical testing. Allele origin: germline.
Comment: The p.S87* pathogenic mutation (also known as c.260C>A), located in coding exon 2 of the FLCN gene, results from a C to A substitution at nucleotide position 260. This changes the amino acid from a serine to a stop codon within coding exon 2. A different nucleotide change also resulting in a stop codon (c.260C>G, p.Ser87*) was identified in an Asian family suspected to have Birt-Hogg-Dube syndrome (Furuya M et al. Clin. Genet., 2016 11;90:403-412). This alteration is expected to result in loss of function by premature protein truncation or nonsense-mediated mRNA decay. As such, this alteration is interpreted as a disease-causing mutation.

Literature cited by the submitters: PubMed 27220747 (cited by Quest Diagnostics Nichols Institute San Juan Capistrano and Ambry Genetics); PubMed 30632664 (cited by Ambry Genetics).